The following is an entry in ClinVar:

ClinVar aggregate classification (germline): Likely pathogenic (1 of 4 stars; one submission).

Conditions:
Dilated cardiomyopathy 1G (CMD1G). Identifiers: Orphanet 154, MedGen C1858763, MONDO:0011400, OMIM 604145.
Autosomal recessive limb-girdle muscular dystrophy type 2J (LGMDR10). Also called: Limb-girdle muscular dystrophy, type 2J; MUSCULAR DYSTROPHY, LIMB-GIRDLE, AUTOSOMAL RECESSIVE 10. Identifiers: Orphanet 140922, MedGen C1837342, MONDO:0012127, OMIM 608807.

Submission:

Labcorp Genetics (formerly Invitae), Labcorp
Classification: Likely pathogenic for Dilated cardiomyopathy 1G; Autosomal recessive limb-girdle muscular dystrophy type 2J. Last evaluated: 2023-09-27. Review status: criteria provided, single submitter. Criteria: Invitae Variant Classification Sherloc (09022015). Collection method: clinical testing. Allele origin: germline.
Comment: This variant has not been reported in the literature in individuals affected with TTN-related conditions. This variant is not present in population databases (gnomAD no frequency). This sequence change creates a premature translational stop signal (p.Ser32812Alafs*3) in the TTN gene. While this is not anticipated to result in nonsense mediated decay, it is expected to create a truncated TTN protein. This variant is located in the A band of TTN (PMID: 25589632). Truncating variants in this region are significantly overrepresented in patients affected with dilated cardiomyopathy (PMID: 25589632). Truncating variants in this region have also been reported in individuals affected with autosomal recessive centronuclear myopathy (PMID: 23975875). In summary, the currently available evidence indicates that the variant is pathogenic, but additional data are needed to prove that conclusively. Therefore, this variant has been classified as Likely Pathogenic.

Literature cited by the submitters: PubMed 25589632; PubMed 23975875.

NM_001267550.2(TTN):c.98432_98433dup (p.Ser32812fs)

Genes: TTN (titin; minus strand), TTN-AS1 (TTN antisense RNA 1; plus strand). Cytogenetic location: 2q31.2.
Variant type: Duplication.
Coding change: c.98432_98433dup on transcript NM_001267550.2 (MANE Select); coding-DNA positions 98432 to 98433, 2 bases duplicated (GC; older notation c.98432_98433dupGC).
Protein change: p.Ser32812fs; shifts the reading frame from serine 32812.
Molecular consequence: frameshift variant. On other transcripts: non-coding transcript variant (1).
Genome position (GRCh38, 1-based): chr2:178,539,632-178,539,633, GC duplicated on the plus strand (GC on the coding strand, the reverse complement: TTN is on the minus strand); duplicating any 2 consecutive bases within chr2:178,539,632-178,539,634 gives the same sequence; the c. name uses the placement nearest the transcript's 3' end. VCF-style (leftmost placement, unchanged base first): chr2-178539631-A-AGC. GRCh37 (hg19) VCF-style: chr2-179404358-A-AGC.
Other names: c.93509_93510dup, p.Ser31171fs (NM_001256850.1); c.71237_71238dup, p.Ser23747fs (NM_003319.4); c.90728_90729dup, p.Ser30244fs (NM_133378.4); c.71612_71613dup, p.Ser23872fs (NM_133432.3); c.71813_71814dup, p.Ser23939fs (NM_133437.4); short protein forms S23747fs, S23872fs, S31171fs, S23939fs, S30244fs, S32812fs.
Identifiers: ClinVar variation 2944576 (VCV002944576.3), dbSNP rs2468771376, ClinGen allele CA2740096330.
Genomic context (GRCh38, chr2:178,539,631, plus strand): 5'-TGTAGCCTAAGATGTCAGCACCACCATCATCAGCAGGAGGTCTCCAGCTGACCCTCACAG[A>AGC]GCGGACTTGGATGTCATCATATTCCAGTGGCCCTTCTGGACTGTTGGGACTTCCTATCAC-3'